The following is an entry in ClinVar:

ClinVar aggregate classification (germline): Benign/Likely benign. Review status: criteria provided, multiple submitters, no conflicts (2 of 4 stars). 3 submissions from 3 submitters: Benign (2); Likely benign (1). Last evaluated 2024-10-02.

Allele frequency attached by ClinVar (database versions not stated): gnomAD exomes 0.00016; ExAC 0.00017; TOPMed 0.00020; gnomAD 0.00023 and 0.00024; ESP Exome Variant Server 0.00025; 1000 Genomes Project 30x 0.00047; 1000 Genomes Project 0.00060.
gnomAD v4.1: 299 of 1,576,414 alleles (0.019%); highest among the groups gnomAD compares: Non-Finnish European, 0.023%; no homozygotes.

Submissions (3):

Blueprint Genetics
Classification: Likely benign. Last evaluated: 2024-10-02. Review status: criteria provided, single submitter. Criteria: ACMG Guidelines, 2015. Collection method: clinical testing. Allele origin: germline.

GeneDx
Classification: Benign. Last evaluated: 2014-07-08. Review status: criteria provided, single submitter. Criteria: GeneDx Variant Classification (06012015). Collection method: clinical testing. Allele origin: germline. Affected: yes.
Comment: This variant is considered likely benign or benign based on one or more of the following criteria: it is a conservative change, it occurs at a poorly conserved position in the protein, it is predicted to be benign by multiple in silico algorithms, and/or has population frequency not consistent with disease.

PreventionGenetics, part of Exact Sciences
Classification: Benign. Review status: criteria provided, single submitter. Criteria: ACMG Guidelines, 2015. Collection method: clinical testing. Allele origin: germline.

NM_002397.5(MEF2C):c.*16C>G

Genes: MEF2C (myocyte enhancer factor 2C; minus strand), MEF2C-AS2 (MEF2C antisense RNA 2; plus strand). Cytogenetic location: 5q14.3.
Variant type: single nucleotide variant.
Coding change: c.*16C>G on transcript NM_002397.5 (MANE Select); 16 bases downstream of the stop codon, C replaced by G.
Molecular consequence: 3 prime UTR variant.
Genome position (GRCh38, 1-based): chr5:88,722,588, G>C on the plus strand (C>G on the coding strand, the complement: MEF2C is on the minus strand). VCF-style: chr5-88722588-G-C. GRCh37 (hg19) VCF-style: chr5-88018405-G-C.
Other names: c.*16C>G (NM_001131005.2, NM_001193347.1, NM_001193348.1 and 23 more transcripts); c.*173C>G (NM_001364345.2, NM_001364346.2, NM_001364347.2 and 6 more transcripts).
Identifiers: ClinVar variation 206122 (VCV000206122.4), dbSNP rs200087574, ClinGen allele CA315899.
Genomic context (GRCh38, chr5:88,722,588, plus strand): 5'-ACCCCCCTTCCCCATTAAGGTATAGCACACACACACACTGCAAGAAAAAAAAAAAAACTA[G>C]TAAGTAATAATCTGATCATGTTGCCCATCCTTCAGAAAGTCGCATGCGCTTGACTGAGGG-3'